The following is an entry in ClinVar:

ClinVar aggregate classification (germline): Uncertain significance (1 of 4 stars; one submission).

Conditions:
Hereditary diffuse gastric adenocarcinoma (HDGC). Also called: DIFFUSE GASTRIC AND LOBULAR BREAST CANCER SYNDROME. Identifiers: Orphanet 26106, MedGen C1708349, MONDO:0007648, OMIM 137215.

Submission:

Labcorp Genetics (formerly Invitae), Labcorp
Classification: Uncertain significance for Hereditary diffuse gastric adenocarcinoma. Last evaluated: 2024-07-11. Review status: criteria provided, single submitter. Criteria: Invitae Variant Classification Sherloc (09022015). Collection method: clinical testing. Allele origin: germline.
Comment: This sequence change replaces alanine, which is neutral and non-polar, with phenylalanine, which is neutral and non-polar, at codon 530 of the CDH1 protein (p.Ala530Phe). Information on the frequency of this variant in the gnomAD database is not available, as this variant may be reported differently in the database. This variant has not been reported in the literature in individuals affected with CDH1-related conditions. An algorithm developed to predict the effect of missense changes on protein structure and function (PolyPhen-2) suggests that this variant is likely to be disruptive. In summary, the available evidence is currently insufficient to determine the role of this variant in disease. Therefore, it has been classified as a Variant of Uncertain Significance.

NM_004360.5(CDH1):c.1588_1589delinsTT (p.Ala530Phe)

Gene: CDH1 (cadherin 1; plus strand). Cytogenetic location: 16q22.1.
Variant type: Indel.
Coding change: c.1588_1589delinsTT on transcript NM_004360.5 (MANE Select); coding-DNA positions 1588 to 1589, GC replaced by TT.
Protein change: p.Ala530Phe; replaces alanine 530 with phenylalanine.
Molecular consequence: missense variant. On other transcripts: intron variant (1).
Genome position (GRCh38, 1-based): chr16:68,819,302-68,819,303, GC replaced by TT. VCF-style: chr16-68819302-GC-TT. GRCh37 (hg19) VCF-style: chr16-68853205-GC-TT.
Other names: c.-254-2699_-254-2698delinsTT (NM_001317186.2); c.1405_1406delinsTT, p.Ala469Phe (NM_001317184.2); c.40_41delinsTT, p.Ala14Phe (NM_001317185.2); short protein forms A469F, A530F, A14F.
Identifiers: ClinVar variation 3645361 (VCV003645361.2).